The following is an entry in ClinVar:

ClinVar aggregate classification (germline): Pathogenic (1 of 4 stars; one submission).

Conditions:
Short-rib thoracic dysplasia 6 with or without polydactyly (SRTD6). Also called: POLYDACTYLY WITH NEONATAL CHONDRODYSTROPHY, TYPE II; Majewski Syndrome; SHORT-RIB THORACIC DYSPLASIA 6 WITH POLYDACTYLY; SHORT-RIB THORACIC DYSPLASIA 6 WITHOUT POLYDACTYLY; SHORT RIB-POLYDACTYLY SYNDROME, TYPE IIA. Identifiers: MedGen C0024507, MONDO:0009894, OMIM 263520.

Submission:

Labcorp Genetics (formerly Invitae), Labcorp
Classification: Pathogenic for Short-rib thoracic dysplasia 6 with or without polydactyly. Last evaluated: 2024-07-18. Review status: criteria provided, single submitter. Criteria: Invitae Variant Classification Sherloc (09022015). Collection method: clinical testing. Allele origin: germline.
Comment: This sequence change creates a premature translational stop signal (p.Trp803*) in the NEK1 gene. It is expected to result in an absent or disrupted protein product. Loss-of-function variants in NEK1 are known to be pathogenic (PMID: 22499340, 29068549). This variant is not present in population databases (gnomAD no frequency). This variant has not been reported in the literature in individuals affected with NEK1-related conditions. For these reasons, this variant has been classified as Pathogenic.

Literature cited by the submitters: PubMed 22499340; PubMed 29068549.

NM_001199397.3(NEK1):c.2492G>A (p.Trp831Ter)

Gene: NEK1 (NIMA related kinase 1; minus strand). Cytogenetic location: 4q33.
Variant type: single nucleotide variant.
Coding change: c.2492G>A on transcript NM_001199397.3 (MANE Select); coding-DNA position 2492, G replaced by A.
Protein change: p.Trp831Ter; replaces tryptophan 831 with a stop codon.
Molecular consequence: nonsense. On other transcripts: non-coding transcript variant (1).
Genome position (GRCh38, 1-based): chr4:169,463,338, C>T on the plus strand (G>A on the coding strand, the complement: NEK1 is on the minus strand). VCF-style: chr4-169463338-C-T. GRCh37 (hg19) VCF-style: chr4-170384489-C-T.
Other names: c.2360G>A, p.Trp787Ter (NM_001199398.3); c.2201G>A, p.Trp734Ter (NM_001199399.3); c.2276G>A, p.Trp759Ter (NM_001199400.3); c.2492G>A, p.Trp831Ter (NM_001374418.1); c.2408G>A, p.Trp803Ter (NM_001374419.1, NM_012224.4); c.2357G>A, p.Trp786Ter (NM_001374420.1); c.2186G>A, p.Trp729Ter (NM_001374421.1); short protein forms W729*, W787*, W831*, W734*, W759*, W803*, W786*.
Identifiers: ClinVar variation 3646026 (VCV003646026.2).